The following is an entry in ClinVar:

ClinVar aggregate classification (germline): Uncertain significance. Review status: criteria provided, multiple submitters, no conflicts (2 of 4 stars). 3 submissions from 3 submitters: Uncertain significance (3). Last evaluated 2024-01-19.

Conditions:
Andersen Tawil syndrome (LQT7). Also called: ANDERSEN CARDIODYSRHYTHMIC PERIODIC PARALYSIS; Andersen Syndrome; LONG QT SYNDROME 7; Potassium-sensitive periodic paralysis, ventricular ectopy, and dysmorphic features; PERIODIC PARALYSIS, POTASSIUM-SENSITIVE CARDIODYSRHYTHMIC TYPE. Identifiers: Orphanet 37553, MedGen C1563715, MONDO:0008222, OMIM 170390.
Short QT syndrome type 3. Identifiers: Orphanet 51083, MedGen C1865018, MONDO:0012314, OMIM 609622.
Atrial fibrillation, familial, 9 (ATFB9). Identifiers: MedGen C3151431, MONDO:0013513, OMIM 613980.
Cardiovascular phenotype. Identifiers: MedGen CN230736.

Allele frequency attached by ClinVar (database versions not stated): TOPMed 0.00001; gnomAD exomes below 0.00001; gnomAD 0.00001.
gnomAD v4.1: 7 of 1,613,954 alleles (0.00043%); highest among the groups gnomAD compares: African/African-American, 0.0013%; no homozygotes.

Submissions (3):

Ambry Genetics
Classification: Uncertain significance for Cardiovascular phenotype. Last evaluated: 2024-01-19. Review status: criteria provided, single submitter. Criteria: Ambry Variant Classification Scheme 2023. Collection method: clinical testing. Allele origin: germline.
Comment: The p.R325H variant (also known as c.974G>A), located in coding exon 1 of the KCNJ2 gene, results from a G to A substitution at nucleotide position 974. The arginine at codon 325 is replaced by histidine, an amino acid with highly similar properties. This variant was detected as heterozygous in one individual from a sensorineural hearing loss cohort who had a borderline QTc interval and an additional SCN5A variant also detected (Chang RK et al. J. Pediatr., 2014 Mar;164:590-5.e1-3). This amino acid position is highly conserved in available vertebrate species. In addition, this alteration is predicted to be deleterious by in silico analysis. Since supporting evidence is limited at this time, the clinical significance of this alteration remains unclear.

Fulgent Genetics
Classification: Uncertain significance for Andersen Tawil syndrome; Short QT syndrome type 3; Atrial fibrillation, familial, 9. Last evaluated: 2021-11-04. Review status: criteria provided, single submitter. Criteria: ACMG Guidelines, 2015. Collection method: clinical testing. Allele origin: unknown.

GeneDx
Classification: Uncertain significance. Last evaluated: 2017-05-30. Review status: criteria provided, single submitter. Criteria: GeneDx Variant Classification (06012015). Collection method: clinical testing. Allele origin: germline. Affected: yes.
Comment: A variant of uncertain significance has been identified in the KCNJ2 gene. The R325H variant has been reported in at least one patient with LQTS (Chang et al., 2014); however additional clinical details and segregation information were not provided. This variant is not observed in large population cohorts (Lek et al., 2016; 1000 Genomes Consortium et al., 2015; Exome Variant Server). This substitution occurs at a position that is conserved across species. In silico analysis predicts this variant is probably damaging to the protein structure/function. However, the R325H variant is a conservative amino acid substitution, which is not likely to impact secondary protein structure as these residues share similar properties.

Literature cited by the submitters: PubMed 24388587 (cited by Ambry Genetics).

NM_000891.3(KCNJ2):c.974G>A (p.Arg325His)

Gene: KCNJ2 (potassium inwardly rectifying channel subfamily J member 2; plus strand). Cytogenetic location: 17q24.3.
Variant type: single nucleotide variant.
Coding change: c.974G>A on transcript NM_000891.3 (MANE Select); coding-DNA position 974, G replaced by A.
Protein change: p.Arg325His; replaces arginine 325 with histidine.
Molecular consequence: missense variant.
Genome position (GRCh38, 1-based): chr17:70,176,013, G>A. VCF-style: chr17-70176013-G-A. GRCh37 (hg19) VCF-style: chr17-68172154-G-A.
Other names: short protein forms R325H.
Identifiers: ClinVar variation 431842 (VCV000431842.5), dbSNP rs1555604000, ClinGen allele CA400862902.